The following is an entry in ClinVar:

NM_133433.4(NIPBL):c.6534G>A (p.Met2178Ile)

Gene: NIPBL (NIPBL cohesin loading factor; plus strand). Cytogenetic location: 5p13.2.
Variant type: single nucleotide variant.
Coding change: c.6534G>A on transcript NM_133433.4 (MANE Select); coding-DNA position 6534, G replaced by A.
Protein change: p.Met2178Ile; replaces methionine 2178 with isoleucine.
Molecular consequence: missense variant.
Genome position (GRCh38, 1-based): chr5:37,046,144, G>A. VCF-style: chr5-37046144-G-A. GRCh37 (hg19) VCF-style: chr5-37046246-G-A.
Other names: c.6534G>A, p.Met2178Ile (NM_015384.5); short protein forms M2178I.
Identifiers: ClinVar variation 2430387 (VCV002430387.1), dbSNP rs774665042, ClinGen allele CA359505796.

ClinVar aggregate classification (germline): Uncertain significance (1 of 4 stars; one submission).

Allele frequency attached by ClinVar (database versions not stated): TOPMed below 0.00001; gnomAD 0.00001.

Submission:

GeneDx
Classification: Uncertain significance. Last evaluated: 2022-08-18. Review status: criteria provided, single submitter. Criteria: GeneDx Variant Classification Process June 2021. Collection method: clinical testing. Allele origin: germline. Affected: yes.
Comment: Not observed at significant frequency in large population cohorts (gnomAD); In silico analysis supports that this missense variant does not alter protein structure/function; Has not been previously published as pathogenic or benign to our knowledge